The following is an entry in ClinVar:

ClinVar aggregate classification (germline): Likely benign. Review status: criteria provided, multiple submitters, no conflicts (2 of 4 stars). 3 submissions from 3 submitters: Likely benign (3). Last evaluated 2025-09-23.

Conditions:
Microcephalic osteodysplastic primordial dwarfism type II (MOPD2). Also called: MOPD II; OSTEODYSPLASTIC PRIMORDIAL DWARFISM, TYPE II; Microcephalic osteodysplastic primordial dwarfism with tooth abnormalities. Identifiers: Orphanet 2637, MedGen C0432246, MONDO:0008872, OMIM 210720.
PCNT-related disorder. Also called: PCNT-related condition.

Allele frequency attached by ClinVar (database versions not stated): gnomAD exomes below 0.00001 and 0.00001; gnomAD 0.00002; TOPMed 0.00002; ExAC 0.00003.
gnomAD v4.1: 24 of 1,613,554 alleles (0.0015%); highest among the groups gnomAD compares: African/African-American, 0.0053%; no homozygotes.

Submissions (3):

Labcorp Genetics (formerly Invitae), Labcorp
Classification: Likely benign. Last evaluated: 2025-09-23. Review status: criteria provided, single submitter. Criteria: Invitae Variant Classification Sherloc (09022015). Collection method: clinical testing. Allele origin: germline.

PreventionGenetics, part of Exact Sciences
Classification: Likely benign for PCNT-related condition. Last evaluated: 2024-11-20. Review status: criteria provided, single submitter. Criteria: ACMG Guidelines, 2015. Collection method: clinical testing. Allele origin: germline.
Comment: This variant is classified as likely benign based on ACMG/AMP sequence variant interpretation guidelines (Richards et al. 2015 PMID: 25741868, with internal and published modifications).

ARUP Laboratories, Molecular Genetics and Genomics, ARUP Laboratories
Classification: Likely benign for Microcephalic osteodysplastic primordial dwarfism type II. Last evaluated: 2020-07-02. Review status: criteria provided, single submitter. Criteria: ARUP Molecular Germline Variant Investigation Process. Collection method: clinical testing. Allele origin: germline.

NM_006031.6(PCNT):c.7167G>A (p.Pro2389=)

Gene: PCNT (pericentrin; plus strand). Cytogenetic location: 21q22.3.
Variant type: single nucleotide variant.
Coding change: c.7167G>A on transcript NM_006031.6 (MANE Select); coding-DNA position 7167, G replaced by A.
Protein change: p.Pro2389=; no amino-acid change (proline 2389 retained).
Molecular consequence: synonymous variant.
Genome position (GRCh38, 1-based): chr21:46,422,112, G>A. VCF-style: chr21-46422112-G-A. GRCh37 (hg19) VCF-style: chr21-47842026-G-A.
Other names: c.6813G>A, p.Pro2271= (NM_001315529.2); c.7167G>A (NM_006031.5).
Identifiers: ClinVar variation 994363 (VCV000994363.12), dbSNP rs745406750, ClinGen allele CA10080537.